The following is an entry in ClinVar:

ClinVar aggregate classification (germline): Benign (1 of 4 stars; one submission).

Allele frequency attached by ClinVar (database versions not stated): ESP Exome Variant Server 0.16360; gnomAD exomes 0.17441; gnomAD 0.17742 and 0.17917; TOPMed 0.17831; 1000 Genomes Project 0.18111; 1000 Genomes Project 30x 0.18114.
gnomAD v4.1: 226,559 of 1,296,108 alleles (17%); highest among the groups gnomAD compares: South Asian, 24%; 20,458 homozygotes.

Submission:

GeneDx
Classification: Benign. Last evaluated: 2018-06-13. Review status: criteria provided, single submitter. Criteria: GeneDx Variant Classification (06012015). Collection method: clinical testing. Allele origin: germline. Affected: yes.
Comment: This variant is considered likely benign or benign based on one or more of the following criteria: it is a conservative change, it occurs at a poorly conserved position in the protein, it is predicted to be benign by multiple in silico algorithms, and/or has population frequency not consistent with disease.

NM_001286445.3(RIPOR2):c.447+62C>T

Gene: RIPOR2 (RHO family interacting cell polarization regulator 2; minus strand). Cytogenetic location: 6p22.3.
Variant type: single nucleotide variant.
Coding change: c.447+62C>T on transcript NM_001286445.3 (MANE Select); 62 bases into the intron after coding-DNA position 447, C replaced by T.
Molecular consequence: intron variant.
Genome position (GRCh38, 1-based): chr6:24,870,804, G>A on the plus strand (C>T on the coding strand, the complement: RIPOR2 is on the minus strand). VCF-style: chr6-24870804-G-A. GRCh37 (hg19) VCF-style: chr6-24871032-G-A.
Other names: c.360+62C>T (NM_001346031.2, NM_014722.5, NM_001346032.2 and 2 more transcripts); c.462+62C>T (NM_001286446.3).
Identifiers: ClinVar variation 682515 (VCV000682515.1), dbSNP rs2817749, ClinGen allele CA12264746.